The following is an entry in ClinVar:

ClinVar aggregate classification (germline): Likely benign. Review status: criteria provided, multiple submitters, no conflicts (2 of 4 stars). 2 submissions from 2 submitters: Likely benign (2). Last evaluated 2026-02-01.

Conditions:
Glycogen storage disease, type VI (GSD6). Also called: HERS DISEASE; PHOSPHORYLASE DEFICIENCY GLYCOGEN-STORAGE DISEASE OF LIVER; Glycogen storage disease type 6; Hepatic glycogen phosphorylase deficiency; Glycogen storage disease type 6, due to phosphorylation; GSD VI. Identifiers: Orphanet 369, MedGen C0017925, MONDO:0009294, OMIM 232700.

gnomAD v4.1: 99 of 1,613,888 alleles (0.0061%); highest among the groups gnomAD compares: Middle Eastern, 0.066%; no homozygotes.

Submissions (2):

CeGaT Center for Human Genetics Tuebingen
Classification: Likely benign. Last evaluated: 2026-02-01. Review status: criteria provided, single submitter. Criteria: CeGaT Center For Human Genetics Tuebingen Variant Classification Criteria Version 2. Collection method: clinical testing. Allele origin: germline. Affected: yes. Observed: 1 variant allele.
Comment: PYGL: BP4, BP7

Labcorp Genetics (formerly Invitae), Labcorp
Classification: Likely benign for Glycogen storage disease, type VI. Last evaluated: 2024-11-12. Review status: criteria provided, single submitter. Criteria: Invitae Variant Classification Sherloc (09022015). Collection method: clinical testing. Allele origin: germline.

NM_002863.5(PYGL):c.1584T>C (p.Asp528=)

Gene: PYGL (glycogen phosphorylase L; minus strand). Cytogenetic location: 14q22.1.
Variant type: single nucleotide variant.
Coding change: c.1584T>C on transcript NM_002863.5 (MANE Select); coding-DNA position 1584, T replaced by C.
Protein change: p.Asp528=; no amino-acid change (aspartic acid 528 retained).
Molecular consequence: synonymous variant.
Genome position (GRCh38, 1-based): chr14:50,913,065, A>G on the plus strand (T>C on the coding strand, the complement: PYGL is on the minus strand). VCF-style: chr14-50913065-A-G. GRCh37 (hg19) VCF-style: chr14-51379783-A-G.
Other names: c.1482T>C, p.Asp494= (NM_001163940.2).
Identifiers: ClinVar variation 3648110 (VCV003648110.6).